The following is an entry in ClinVar:

ClinVar aggregate classification (germline): Benign. Review status: criteria provided, multiple submitters, no conflicts (2 of 4 stars). 4 submissions from 4 submitters: Benign (3). 1 of the submissions does not count toward it. Last evaluated 2021-05-05.

Conditions:
MYRF-related disorder. Also called: MYRF-related disorders; MYRF-related condition.

Allele frequency attached by ClinVar (database versions not stated): ESP Exome Variant Server 0.00067; ExAC 0.00258; gnomAD exomes 0.00325 and 0.01910; gnomAD 0.00735 and 0.00738; 1000 Genomes Project 0.01278; 1000 Genomes Project 30x 0.01405; TOPMed 0.01557.
gnomAD v4.1: 5,759 of 1,551,204 alleles (0.37%); highest among the groups gnomAD compares: Admixed American, 9.7%; 282 homozygotes.

Submissions (4):

GeneDx
Classification: Benign. Last evaluated: 2021-05-05. Review status: criteria provided, single submitter. Criteria: GeneDx Variant Classification Process June 2021. Collection method: clinical testing. Allele origin: germline. Affected: yes.

Labcorp Genetics (formerly Invitae), Labcorp
Classification: Benign. Last evaluated: 2019-12-31. Review status: criteria provided, single submitter. Criteria: Invitae Variant Classification Sherloc (09022015). Collection method: clinical testing. Allele origin: germline.

Breakthrough Genomics
Classification: Benign. Review status: criteria provided, single submitter. Criteria: ACMG Guidelines, 2015. Collection method: not provided. Allele origin: germline. Inheritance: Autosomal dominant inheritance. Affected: yes.

PreventionGenetics, part of Exact Sciences
Classification: Benign for MYRF-related condition. Last evaluated: 2019-05-16. Review status: no assertion criteria provided. Collection method: clinical testing. Allele origin: germline. Not counted in ClinVar's aggregate classification.
Comment: This variant is classified as benign based on ACMG/AMP sequence variant interpretation guidelines (Richards et al. 2015 PMID: 25741868, with internal and published modifications).

NM_001127392.3(MYRF):c.2167G>A (p.Ala723Thr)

Gene: MYRF (myelin regulatory factor; plus strand). Cytogenetic location: 11q12.2.
Variant type: single nucleotide variant.
Coding change: c.2167G>A on transcript NM_001127392.3 (MANE Select); coding-DNA position 2167, G replaced by A.
Protein change: p.Ala723Thr; replaces alanine 723 with threonine.
Molecular consequence: missense variant.
Genome position (GRCh38, 1-based): chr11:61,779,416, G>A. VCF-style: chr11-61779416-G-A. GRCh37 (hg19) VCF-style: chr11-61546888-G-A.
Other names: c.2140G>A, p.Ala714Thr (NM_013279.4); short protein forms A723T, A714T.
Identifiers: ClinVar variation 771442 (VCV000771442.8), dbSNP rs34038946, ClinGen allele CA6038053.